The following is an entry in ClinVar:

NM_000458.4(HNF1B):c.865A>G (p.Asn289Asp)

Gene: HNF1B (HNF1 homeobox B; minus strand). Cytogenetic location: 17q12.
Variant type: single nucleotide variant.
Coding change: c.865A>G on transcript NM_000458.4 (MANE Select); coding-DNA position 865, A replaced by G.
Protein change: p.Asn289Asp; replaces asparagine 289 with aspartic acid.
Molecular consequence: missense variant.
Genome position (GRCh38, 1-based): chr17:37,731,775, T>C on the plus strand (A>G on the coding strand, the complement: HNF1B is on the minus strand). VCF-style: chr17-37731775-T-C. GRCh37 (hg19) VCF-style: chr17-36091766-T-C.
Other names: c.787A>G, p.Asn263Asp (NM_001165923.4, NM_001304286.2); short protein forms N289D, N263D.
Identifiers: ClinVar variation 635633 (VCV000635633.40), dbSNP rs2511801868, ClinGen allele CA398746927.
Genomic context (GRCh38, chr17:37,731,775, plus strand): 5'-ATGCCTCCTCCTTCCTGCGGTTTGCAAACCAGTTGTAGACACGGACCTCAGTGACCAAGT[T>C]GGAGCCCAGGCCGTGGGCTTTGGAGGGGGACACCCCTCGCTGCAAACATTCTGCCCTGGG-3'
Protein context (NP_000449.1, residues 279-299): SPSKAHGLGS[Asn289Asp]LVTEVRVYNW

ClinVar aggregate classification (germline): Pathogenic/Likely pathogenic. Review status: criteria provided, multiple submitters, no conflicts (2 of 4 stars). 3 submissions from 3 submitters: Pathogenic (1); Likely pathogenic (2). Last evaluated 2022-07-09.

Conditions:
Type 2 diabetes mellitus. Also called: Type II diabetes mellitus. Identifiers: MedGen C0011860, MeSH D003924, MONDO:0005148, OMIM 125853, HP:0005978.
Nonpapillary renal cell carcinoma. Identifiers: Orphanet 422526, MedGen CN074294, MONDO:0007763, OMIM 144700.
Renal cysts and diabetes syndrome (RCAD). Also called: Familial hypoplastic, glomerulocystic kidney; MATURITY-ONSET DIABETES OF THE YOUNG, TYPE 5. Identifiers: Orphanet 93111, MedGen C0431693, MONDO:0007669, OMIM 137920.
Hyperechogenic kidneys. Also called: echogenic kidneys. Identifiers: MedGen C3275899, HP:0004719.

Submissions (3):

Prenatal Diagnostic Center, Guangzhou Women and Children's Medical Center
Classification: Likely pathogenic for Hyperechogenic kidneys. Last evaluated: 2022-07-09. Review status: criteria provided, single submitter. Criteria: ACMG Guidelines, 2015. Collection method: clinical testing. Allele origin: maternal. Affected: yes.
Comment: The missense variant “NM_000458.4:c.865A>G” was classified as likely pathogenic using PM1+PM2_Supporting+PP1+PP3 +PP4+PM5 evidence. PM1: the Asn289Asp variant located in a DNA-Binding domain called POUH/Homeo, and the homeodomain and the second half of the N-terminal domain (“HNF-1_N”) host the two mutational hot spots for missense variants.[PMID: 31498910] PM2_Supporting: the population frequency of this variant is absent in gnomAD, ExAc and 1000Genome database; PP3:14 out of 17 softwares predicted damaging and 4 softwares predicted conserved in VarCards, and the REVEL score is 0.790; PP4: the isolated bilateral hyperechogenic kidneys phenotype of the fetal is highly specific for the genetic etiology of HNF1B disases; PM5: in article PMID:33851123, an alternative variant chr17:36091766 T>G (Asn289His) is classified likely pathogenic according to ACMG guidelines.

Fulgent Genetics
Classification: Likely pathogenic for Type 2 diabetes mellitus; Renal cysts and diabetes syndrome; Nonpapillary renal cell carcinoma. Last evaluated: 2021-09-13. Review status: criteria provided, single submitter. Criteria: ACMG Guidelines, 2015. Collection method: clinical testing. Allele origin: unknown.

Institute of Human Genetics, FAU Erlangen, Friedrich-Alexander-Universität Erlangen-Nürnberg
Classification: Pathogenic for Renal cysts and diabetes syndrome. Last evaluated: 2019-07-06. Review status: criteria provided, single submitter. Criteria: ACMG Guidelines, 2015. Collection method: literature only. Allele origin: germline. Affected: yes.
Comment: This variant and it's classification has been reported by Vasileiou et al. 2019; DOI:10.1101/576918. The variants has previously been reported in PMID:25700310; PMID:21775974; PMID:25536396 as "c.865A>G; c.865A>G" with clinical significance Pathogenic. It has been re-classified using InterVar and manual curation as Pathogenic based on PS2 PM1 PM2 PP3 PP5.

Literature cited by the submitters: PubMed 31498910 (cited by Prenatal Diagnostic Center, Guangzhou Women and Children's Medical Center); PubMed 21775974 (cited by Prenatal Diagnostic Center, Guangzhou Women and Children's Medical Center and Institute of Human Genetics, FAU Erlangen, Friedrich-Alexander-Universität Erlangen-Nürnberg); PubMed 33851123 (cited by Prenatal Diagnostic Center, Guangzhou Women and Children's Medical Center); PubMed 25700310 (cited by Institute of Human Genetics, FAU Erlangen, Friedrich-Alexander-Universität Erlangen-Nürnberg); PubMed 25536396 (cited by Institute of Human Genetics, FAU Erlangen, Friedrich-Alexander-Universität Erlangen-Nürnberg); DOI 10.1101/576918 (cited by Institute of Human Genetics, FAU Erlangen, Friedrich-Alexander-Universität Erlangen-Nürnberg).